The following is an entry in ClinVar:

NM_022124.6(CDH23):c.7087G>A (p.Glu2363Lys)

Gene: CDH23 (cadherin related 23; plus strand). Cytogenetic location: 10q22.1.
Variant type: single nucleotide variant.
Coding change: c.7087G>A on transcript NM_022124.6 (MANE Select); coding-DNA position 7087, G replaced by A.
Protein change: p.Glu2363Lys; replaces glutamic acid 2363 with lysine.
Molecular consequence: missense variant.
Genome position (GRCh38, 1-based): chr10:71,799,143, G>A. VCF-style: chr10-71799143-G-A. GRCh37 (hg19) VCF-style: chr10-73558900-G-A.
Other names: c.367G>A, p.Glu123Lys (NM_001171933.1, NM_001171934.1); short protein forms E2363K, E123K.
Identifiers: ClinVar variation 842152 (VCV000842152.7), dbSNP rs753690054, ClinGen allele CA5546263.
Genomic context (GRCh38, chr10:71,799,143, plus strand): 5'-AATGGCAGTGGGAGCCTCTGTGTCTTAGGGAAGGTCATTGCCAACCGGACAGTGGACTAC[G>A]AGGAGGTGCACTGGCTCAACTTTACCGTGAGGGCCTCAGACAACGGGTCCCCGCCCCGGG-3'
Protein context (NP_071407.4, residues 2353-2373): KVIANRTVDY[Glu2363Lys]EVHWLNFTVR

ClinVar aggregate classification (germline): Uncertain significance. Review status: criteria provided, multiple submitters, no conflicts (2 of 4 stars). 4 submissions from 4 submitters: Uncertain significance (2). 2 of the submissions do not count toward it. Last evaluated 2024-06-13.

Conditions:
Usher syndrome type 1 (USH1). Also called: RETINITIS PIGMENTOSA AND CONGENITAL DEAFNESS. Identifiers: Orphanet 231169, Orphanet 886, MedGen C1568247, MONDO:0010168, OMIM 276900.

Allele frequency attached by ClinVar (database versions not stated): gnomAD 0.00001; gnomAD exomes 0.00002; TOPMed 0.00002; ExAC 0.00004.
gnomAD v4.1: 26 of 1,613,904 alleles (0.0016%); highest among the groups gnomAD compares: Non-Finnish European, 0.0022%; no homozygotes.

Submissions (4):

Blueprint Genetics
Classification: Uncertain significance. Last evaluated: 2024-06-13. Review status: criteria provided, single submitter. Criteria: ACMG Guidelines, 2015. Collection method: clinical testing. Allele origin: germline.

Labcorp Genetics (formerly Invitae), Labcorp
Classification: Uncertain significance. Last evaluated: 2021-09-11. Review status: criteria provided, single submitter. Criteria: Invitae Variant Classification Sherloc (09022015). Collection method: clinical testing. Allele origin: germline.
Comment: This sequence change replaces glutamic acid with lysine at codon 2363 of the CDH23 protein (p.Glu2363Lys). The glutamic acid residue is highly conserved and there is a small physicochemical difference between glutamic acid and lysine. This variant is present in population databases (rs753690054, ExAC 0.008%). This missense change has been observed in individual(s) with deafness (Invitae). ClinVar contains an entry for this variant (Variation ID: 842152). Algorithms developed to predict the effect of missense changes on protein structure and function are either unavailable or do not agree on the potential impact of this missense change (SIFT: "Deleterious"; PolyPhen-2: "Not Available"; Align-GVGD: "Class C55"). In summary, the available evidence is currently insufficient to determine the role of this variant in disease. Therefore, it has been classified as a Variant of Uncertain Significance.

Natera, Inc.
Classification: Uncertain significance for Usher syndrome type 1. Last evaluated: 2020-09-17. Review status: no assertion criteria provided. Collection method: clinical testing. Allele origin: germline. Not counted in ClinVar's aggregate classification.

Department of Pathology and Laboratory Medicine, Sinai Health System
Classification: Uncertain significance. Review status: no assertion criteria provided. Collection method: clinical testing. Allele origin: unknown. Affected: yes. Study: The Canadian Open Genetics Repository (COGR). Not counted in ClinVar's aggregate classification.
Comment: The CDH23 p.Glu123Lys variant was identified in 1 of 47 probands with Usher Syndrome type 1, however this patients disease was reporeted to be attributed to variants in the MYO7A gene (Bujakowska_2014_PMID:25468891). The variant was identified in dbSNP (ID: rs753690054) but was not identified in ClinVar. The variant was identified in control databases in 6 of 249150 chromosomes at a frequency of 0.00002408 (Genome Aggregation Database March 6, 2019, v2.1.1). The variant was observed in the European (non-Finnish) population in 6 of 112946 chromosomes (freq: 0.000053), but was not observed in the African, Latino, Ashkenazi Jewish, East Asian, European (Finnish), Other, or South Asian populations. The p.Glu123 residue is conserved in across mammals and other organisms and computational analyses (PolyPhen-2, SIFT, AlignGVGD, BLOSUM, MutationTaster) suggest that the variant may impact the protein; however this information is not predictive enough to assume pathogenicity. The variant occurs outside of the splicing consensus sequence and in silico or computational prediction software programs (SpliceSiteFinder, MaxEntScan, NNSPLICE, GeneSplicer) do not predict a difference in splicing. In summary, based on the above information the clinical significance of this variant cannot be determined with certainty at this time. This variant is classified as a variant of uncertain significance.